The following is an entry in ClinVar:

ClinVar aggregate classification (germline): Uncertain significance (1 of 4 stars; one submission).

Conditions:
RASopathy. Also called: Noonan spectrum disorder; rasopathies. Identifiers: Orphanet 536391, MedGen C5555857, MONDO:0021060.

Submission:

Labcorp Genetics (formerly Invitae), Labcorp
Classification: Uncertain significance for RASopathy. Last evaluated: 2022-03-22. Review status: criteria provided, single submitter. Criteria: Invitae Variant Classification Sherloc (09022015). Collection method: clinical testing. Allele origin: germline.
Comment: This sequence change replaces asparagine, which is neutral and polar, with threonine, which is neutral and polar, at codon 1011 of the SOS1 protein (p.Asn1011Thr). This variant is not present in population databases (gnomAD no frequency). This variant has not been reported in the literature in individuals affected with SOS1-related conditions. Advanced modeling of protein sequence and biophysical properties (such as structural, functional, and spatial information, amino acid conservation, physicochemical variation, residue mobility, and thermodynamic stability) performed at Invitae indicates that this missense variant is not expected to disrupt SOS1 protein function. In summary, the available evidence is currently insufficient to determine the role of this variant in disease. Therefore, it has been classified as a Variant of Uncertain Significance.

NM_005633.4(SOS1):c.3032A>C (p.Asn1011Thr)

Gene: SOS1 (SOS Ras/Rac guanine nucleotide exchange factor 1; minus strand). Cytogenetic location: 2p22.1.
Variant type: single nucleotide variant.
Coding change: c.3032A>C on transcript NM_005633.4 (MANE Select); coding-DNA position 3032, A replaced by C.
Protein change: p.Asn1011Thr; replaces asparagine 1011 with threonine.
Molecular consequence: missense variant.
Genome position (GRCh38, 1-based): chr2:38,996,971, T>G on the plus strand (A>C on the coding strand, the complement: SOS1 is on the minus strand). VCF-style: chr2-38996971-T-G. GRCh37 (hg19) VCF-style: chr2-39224112-T-G.
Other names: c.3011A>C, p.Asn1004Thr (NM_001382394.1); c.3032A>C, p.Asn1011Thr (NM_001382395.1); short protein forms N1011T, N1004T.
Identifiers: ClinVar variation 1484095 (VCV001484095.6), dbSNP rs8192671, ClinGen allele CA346361394.